The following is an entry in ClinVar:

NM_001127221.2(CACNA1A):c.5543A>G (p.His1848Arg)

Gene: CACNA1A (calcium voltage-gated channel subunit alpha1 A; minus strand). Cytogenetic location: 19p13.13.
Variant type: single nucleotide variant.
Coding change: c.5543A>G on transcript NM_001127221.2 (MANE Plus Clinical); coding-DNA position 5543, A replaced by G.
Protein change: p.His1848Arg; replaces histidine 1848 with arginine.
Molecular consequence: missense variant. On other transcripts: intron variant (4).
Genome position (GRCh38, 1-based): chr19:13,228,784, T>C on the plus strand (A>G on the coding strand, the complement: CACNA1A is on the minus strand). VCF-style: chr19-13228784-T-C. GRCh37 (hg19) VCF-style: chr19-13339598-T-C.
Other names: c.5529-1257A>G (NM_001127222.2); c.5538-1257A>G (NM_001174080.2); c.5547-1257A>G (NM_000068.4, NM_023035.3); short protein forms H1848R.
Identifiers: ClinVar variation 1302608 (VCV001302608.2), dbSNP rs2144616863, ClinGen allele CA404331903.

ClinVar aggregate classification (germline): Uncertain significance (1 of 4 stars; one submission).

Allele frequency attached by ClinVar (database versions not stated): gnomAD exomes below 0.00001.
gnomAD v4.1: 1 of 1,589,728 alleles (0.000063%); highest among the groups gnomAD compares: Non-Finnish European, 0.000086%; no homozygotes.

Submission:

GeneDx
Classification: Uncertain significance. Last evaluated: 2019-07-31. Review status: criteria provided, single submitter. Criteria: GeneDx Variant Classification Process June 2021. Collection method: clinical testing. Allele origin: germline. Affected: yes.
Comment: Not observed in large population cohorts (Lek et al., 2016); In silico analysis, which includes protein predictors and evolutionary conservation, supports that this variant does not alter protein structure/function; Has not been previously published as pathogenic or benign to our knowledge